The following is an entry in ClinVar:

ClinVar aggregate classification (germline): Uncertain significance (1 of 4 stars; one submission).

Submission:

CeGaT Center for Human Genetics Tuebingen
Classification: Uncertain significance. Last evaluated: 2025-04-01. Review status: criteria provided, single submitter. Criteria: CeGaT Center For Human Genetics Tuebingen Variant Classification Criteria Version 2. Collection method: clinical testing. Allele origin: germline. Affected: yes. Observed: 1 variant allele.
Comment: RP1L1: PM2, BP4

NM_178857.6(RP1L1):c.4178G>A (p.Gly1393Asp)

Gene: RP1L1 (RP1 like 1). Cytogenetic location: 8p23.1.
Variant type: single nucleotide variant.
Coding change: c.4178G>A on transcript NM_178857.6 (MANE Select); coding-DNA position 4178, G replaced by A.
Protein change: p.Gly1393Asp; replaces glycine 1393 with aspartic acid.
Molecular consequence: missense variant.
Genome position (GRCh38, 1-based): chr8:10,609,920, C>T on the plus strand (G>A on the coding strand, the complement: RP1L1 is on the minus strand). VCF-style: chr8-10609920-C-T. GRCh37 (hg19) VCF-style: chr8-10467430-C-T.
Other names: short protein forms G1393D.
Identifiers: ClinVar variation 3898434 (VCV003898434.7).